The following is an entry in ClinVar:

NM_014956.5(CEP164):c.2519G>T (p.Arg840Leu)

Gene: CEP164 (centrosomal protein 164; plus strand). Cytogenetic location: 11q23.3.
Variant type: single nucleotide variant.
Coding change: c.2519G>T on transcript NM_014956.5 (MANE Select); coding-DNA position 2519, G replaced by T.
Protein change: p.Arg840Leu; replaces arginine 840 with leucine.
Molecular consequence: missense variant.
Genome position (GRCh38, 1-based): chr11:117,393,029, G>T. VCF-style: chr11-117393029-G-T. GRCh37 (hg19) VCF-style: chr11-117263745-G-T.
Other names: c.2528G>T, p.Arg843Leu (NM_001271933.2); short protein forms R843L, R840L.
Identifiers: ClinVar variation 711451 (VCV000711451.12), dbSNP rs201901144, ClinGen allele CA6295113.
Genomic context (GRCh38, chr11:117,393,029, plus strand): 5'-TTCTTCATGCCACATCCCTGCCATCTCCCCTGCAGCTCAGCAGTCTCCTGCGAGAGAAGC[G>T]CCAGGAAGTGGAAGGGGAGCATGAGAGGAGGTTGGACAAGATGAAGGAGGAGCACCAGCA-3'
Protein context (NP_055771.4, residues 830-850): HELSSLLREK[Arg840Leu]QEVEGEHERR

ClinVar aggregate classification (germline): Conflicting classifications of pathogenicity. Review status: criteria provided, conflicting classifications (1 of 4 stars). 3 submissions from 3 submitters: Uncertain significance (1); Likely benign (1). 1 of the submissions does not count toward it. Last evaluated 2026-02-01.

Conditions:
CEP164-related disorder. Also called: CEP164-related condition.
Inborn genetic diseases. Identifiers: MedGen C0950123, MeSH D030342.
Nephronophthisis 15 (NPHP15). Identifiers: Orphanet 3156, MedGen C3541853, MONDO:0013917, OMIM 614845.

Allele frequency attached by ClinVar (database versions not stated): ESP Exome Variant Server 0.00008; TOPMed 0.00010.
gnomAD v4.1: 173 of 1,613,424 alleles (0.011%); highest among the groups gnomAD compares: Admixed American, 0.0033%; no homozygotes.

Submissions (3):

Labcorp Genetics (formerly Invitae), Labcorp
Classification: Likely benign for Nephronophthisis 15. Last evaluated: 2026-02-01. Review status: criteria provided, single submitter. Criteria: Invitae Variant Classification Sherloc (09022015). Collection method: clinical testing. Allele origin: germline.

Ambry Genetics
Classification: Uncertain significance for Inborn genetic diseases. Last evaluated: 2021-06-11. Review status: criteria provided, single submitter. Criteria: Ambry Variant Classification Scheme 2023. Collection method: clinical testing. Allele origin: germline.

PreventionGenetics, part of Exact Sciences
Classification: Likely benign for CEP164-related condition. Last evaluated: 2024-08-12. Review status: no assertion criteria provided. Collection method: clinical testing. Allele origin: germline. Not counted in ClinVar's aggregate classification.
Comment: This variant is classified as likely benign based on ACMG/AMP sequence variant interpretation guidelines (Richards et al. 2015 PMID: 25741868, with internal and published modifications).